The following continues an entry in ClinVar:

NM_000059.4(BRCA2):c.8297del (p.Thr2766fs)

Gene: BRCA2. ClinVar aggregate classification (germline): Pathogenic. Pathogenic (1).

Submissions 23 to 30 of 30:

Molecular Genetics Laboratory, University of Michigan
Classification: Pathogenic for Breast-ovarian cancer, familial, susceptibility to, 2. Last evaluated: 2016-04-21. Review status: criteria provided, single submitter. Criteria: ACMG Guidelines, 2015. Collection method: clinical testing. Allele origin: germline. Affected: yes. Not counted in ClinVar's aggregate classification.

University of Washington Department of Laboratory Medicine, University of Washington
Classification: Pathogenic for Breast-ovarian cancer, familial, susceptibility to, 1. Last evaluated: 2015-11-20. Review status: criteria provided, single submitter. Criteria: Shirts et al. (Genet Med 2016). Collection method: clinical testing. Allele origin: germline. Affected: yes. Observed: 1 variant allele. Not counted in ClinVar's aggregate classification.

Consortium of Investigators of Modifiers of BRCA1/2 (CIMBA), c/o University of Cambridge
Classification: Pathogenic for Breast-ovarian cancer, familial, susceptibility to, 2. Last evaluated: 2015-10-02. Review status: criteria provided, single submitter. Criteria: CIMBA Mutation Classification guidelines May 2016. Collection method: clinical testing. Allele origin: germline. Not counted in ClinVar's aggregate classification.

Research Molecular Genetics Laboratory, Women's College Hospital, University of Toronto
Classification: Pathogenic for Hereditary breast ovarian cancer syndrome. Last evaluated: 2014-01-31. Review status: no assertion criteria provided. Collection method: research. Allele origin: germline. Affected: yes. Study: The Canadian Open Genetics Repository (COGR). Not counted in ClinVar's aggregate classification.

Biesecker Lab/Clinical Genomics Section, National Institutes of Health
Classification: Pathogenic for Breast-ovarian cancer, familial. Last evaluated: 2012-07-13. Review status: no assertion criteria provided. Collection method: research. Allele origin: germline. Affected: no. Observed: 1 variant allele. Study: ClinSeq. Not counted in ClinVar's aggregate classification.
ClinVar note: Converted during submission from pathogenic to Pathogenic.

Sharing Clinical Reports Project (SCRP)
Classification: Pathogenic for Breast-ovarian cancer, familial 2. Last evaluated: 2012-05-01. Review status: no assertion criteria provided. Collection method: clinical testing. Allele origin: germline. Not counted in ClinVar's aggregate classification.

Breast Cancer Information Core (BIC) (BRCA2)
Classification: Pathogenic for Breast-ovarian cancer, familial 2. Last evaluated: 2002-05-29. Review status: no assertion criteria provided. Collection method: clinical testing. Allele origin: germline, unknown. Affected: yes. Observed: 41 variant alleles. Not counted in ClinVar's aggregate classification.

OMIM
Classification: Pathogenic for BREAST-OVARIAN CANCER, FAMILIAL, SUSCEPTIBILITY TO, 2. Last evaluated: 1996-03-01. Review status: no assertion criteria provided. Collection method: literature only. Allele origin: germline. Not counted in ClinVar's aggregate classification.

Literature cited by the submitters: PubMed 20104584 (cited by Labcorp Genetics (formerly Invitae), Labcorp); PubMed 8589730 (cited by 8 submitters); PubMed 10682686 (cited by 5 submitters); PubMed 12960223 (cited by 4 submitters); PubMed 20736950 (cited by 6 submitters); PubMed 23028338 (cited by Labcorp Genetics (formerly Invitae), Labcorp and Department of Pathology and Laboratory Medicine, Sinai Health System); PubMed 25085752 (cited by 3 submitters); PubMed 26681312 (cited by 5 submitters); PubMed 23146383 (cited by Color Diagnostics, LLC DBA Color Health and All of Us Research Program, National Institutes of Health); PubMed 23569316 (cited by 5 submitters); PubMed 25682074 (cited by 5 submitters); PubMed 26845104 (cited by Color Diagnostics, LLC DBA Color Health and All of Us Research Program, National Institutes of Health); PubMed 29446198 (cited by 3 submitters); PubMed 31853058 (cited by Color Diagnostics, LLC DBA Color Health); PubMed 33471991 (cited by Color Diagnostics, LLC DBA Color Health and All of Us Research Program, National Institutes of Health); PubMed 23035815 (cited by Ambry Genetics and Sema4); PubMed 37461096 (cited by Quest Diagnostics Nichols Institute San Juan Capistrano); PubMed 37349538 (cited by Quest Diagnostics Nichols Institute San Juan Capistrano); PubMed 32532514 (cited by Quest Diagnostics Nichols Institute San Juan Capistrano); PubMed 31569370 (cited by Quest Diagnostics Nichols Institute San Juan Capistrano); PubMed 10570174 (cited by Quest Diagnostics Nichols Institute San Juan Capistrano); PubMed 26295337 (cited by Quest Diagnostics Nichols Institute San Juan Capistrano); PubMed 12474142 (cited by Sema4 and Women's Health and Genetics/Laboratory Corporation of America, LabCorp); PubMed 31090900 (cited by Sema4); PubMed 23884708 (cited by Laboratory for Molecular Medicine, Mass General Brigham Personalized Medicine and Women's Health and Genetics/Laboratory Corporation of America, LabCorp); PubMed 25685387 (cited by Laboratory for Molecular Medicine, Mass General Brigham Personalized Medicine); PubMed 26046366 (cited by Laboratory for Molecular Medicine, Mass General Brigham Personalized Medicine); PubMed 12181777 (cited by Women's Health and Genetics/Laboratory Corporation of America, LabCorp).